The following is an entry in ClinVar:

NM_006231.4(POLE):c.3957G>T (p.Leu1319Phe)

Gene: POLE (DNA polymerase epsilon, catalytic subunit; minus strand). Cytogenetic location: 12q24.33.
Variant type: single nucleotide variant.
Coding change: c.3957G>T on transcript NM_006231.4 (MANE Select); coding-DNA position 3957, G replaced by T.
Protein change: p.Leu1319Phe; replaces leucine 1319 with phenylalanine.
Molecular consequence: missense variant.
Genome position (GRCh38, 1-based): chr12:132,649,354, C>A on the plus strand (G>T on the coding strand, the complement: POLE is on the minus strand). VCF-style: chr12-132649354-C-A. GRCh37 (hg19) VCF-style: chr12-133225940-C-A.
Other names: short protein forms L1319F.
Identifiers: ClinVar variation 1736477 (VCV001736477.2), dbSNP rs2138606075, ClinGen allele CA387384887.

ClinVar aggregate classification (germline): Uncertain significance (1 of 4 stars; one submission).

Conditions:
Hereditary cancer-predisposing syndrome. Also called: Neoplastic Syndromes, Hereditary; Tumor predisposition; Hereditary Cancer Syndrome; Hereditary neoplastic syndrome. Identifiers: Orphanet 140162, MedGen C0027672, MeSH D009386, MONDO:0015356.

Allele frequency attached by ClinVar (database versions not stated): gnomAD exomes below 0.00001.
gnomAD v4.1: 1 of 1,613,626 alleles (0.000062%); highest among the groups gnomAD compares: Non-Finnish European, 0.000085%; no homozygotes.

Submission:

Ambry Genetics
Classification: Uncertain significance for Hereditary cancer-predisposing syndrome. Last evaluated: 2021-06-13. Review status: criteria provided, single submitter. Criteria: Ambry Variant Classification Scheme 2023. Collection method: clinical testing. Allele origin: germline.
Comment: The p.L1319F variant (also known as c.3957G>T), located in coding exon 31 of the POLE gene, results from a G to T substitution at nucleotide position 3957. The leucine at codon 1319 is replaced by phenylalanine, an amino acid with highly similar properties. This amino acid position is conserved. In addition, this alteration is predicted to be tolerated by in silico analysis. Since supporting evidence is limited at this time, the clinical significance of this alteration remains unclear.